The following is an entry in ClinVar:

NM_001805.4(CEBPE):c.208A>G (p.Lys70Glu)

Gene: CEBPE (CCAAT enhancer binding protein epsilon; minus strand). Cytogenetic location: 14q11.2.
Variant type: single nucleotide variant.
Coding change: c.208A>G on transcript NM_001805.4 (MANE Select); coding-DNA position 208, A replaced by G.
Protein change: p.Lys70Glu; replaces lysine 70 with glutamic acid.
Molecular consequence: missense variant.
Genome position (GRCh38, 1-based): chr14:23,118,884, T>C on the plus strand (A>G on the coding strand, the complement: CEBPE is on the minus strand). VCF-style: chr14-23118884-T-C. GRCh37 (hg19) VCF-style: chr14-23588093-T-C.
Other names: short protein forms K70E.
Identifiers: ClinVar variation 3663296 (VCV003663296.2).

ClinVar aggregate classification (germline): Uncertain significance (1 of 4 stars; one submission).

Conditions:
Specific granule deficiency. Identifiers: Orphanet 169142, MedGen C0398593, MONDO:0009506.

Submission:

Labcorp Genetics (formerly Invitae), Labcorp
Classification: Uncertain significance for Specific granule deficiency. Last evaluated: 2025-02-10. Review status: criteria provided, single submitter. Criteria: Invitae Variant Classification Sherloc (09022015). Collection method: clinical testing. Allele origin: germline.
Comment: This sequence change replaces lysine, which is basic and polar, with glutamic acid, which is acidic and polar, at codon 70 of the CEBPE protein (p.Lys70Glu). This variant is not present in population databases (gnomAD no frequency). This variant has not been reported in the literature in individuals affected with CEBPE-related conditions. An algorithm developed to predict the effect of missense changes on protein structure and function (PolyPhen-2) suggests that this variant is likely to be disruptive. In summary, the available evidence is currently insufficient to determine the role of this variant in disease. Therefore, it has been classified as a Variant of Uncertain Significance.